The following is an entry in ClinVar:

ClinVar aggregate classification (germline): Uncertain significance (1 of 4 stars; one submission).

Conditions:
Hereditary cancer-predisposing syndrome. Also called: Neoplastic Syndromes, Hereditary; Tumor predisposition; Hereditary Cancer Syndrome; Hereditary neoplastic syndrome. Identifiers: Orphanet 140162, MedGen C0027672, MeSH D009386, MONDO:0015356.

Submission:

Ambry Genetics
Classification: Uncertain significance for Hereditary cancer-predisposing syndrome. Last evaluated: 2021-03-05. Review status: criteria provided, single submitter. Criteria: Ambry Variant Classification Scheme 2023. Collection method: clinical testing. Allele origin: germline.
Comment: The p.F696V variant (also known as c.2086T>G), located in coding exon 12 of the PMS2 gene, results from a T to G substitution at nucleotide position 2086. The phenylalanine at codon 696 is replaced by valine, an amino acid with highly similar properties. This amino acid position is highly conserved in available vertebrate species. In addition, this alteration is predicted to be deleterious by in silico analysis. Since supporting evidence is limited at this time, the clinical significance of this alteration remains unclear.

NM_000535.7(PMS2):c.2086T>G (p.Phe696Val)

Gene: PMS2 (PMS1 homolog 2, mismatch repair system component; minus strand). Cytogenetic location: 7p22.1.
Variant type: single nucleotide variant.
Coding change: c.2086T>G on transcript NM_000535.7 (MANE Select); coding-DNA position 2086, T replaced by G.
Protein change: p.Phe696Val; replaces phenylalanine 696 with valine.
Molecular consequence: missense variant. On other transcripts: non-coding transcript variant (1).
Genome position (GRCh38, 1-based): chr7:5,982,912, A>C on the plus strand (T>G on the coding strand, the complement: PMS2 is on the minus strand). VCF-style: chr7-5982912-A-C. GRCh37 (hg19) VCF-style: chr7-6022543-A-C.
Other names: c.883T>G, p.Phe295Val (NM_001406912.1); c.1681T>G, p.Phe561Val (NM_001018040.1, NM_001322003.2, NM_001322004.2 and 15 more transcripts); c.1930T>G, p.Phe644Val (NM_001322006.2, NM_001406870.1); c.1768T>G, p.Phe590Val (NM_001322007.2, NM_001322008.2, NM_001406876.1 and 1 more transcripts); c.1525T>G, p.Phe509Val (NM_001322010.2, NM_001406906.1, NM_001406907.1); c.1153T>G, p.Phe385Val (NM_001322011.2, NM_001322012.2); c.1513T>G, p.Phe505Val (NM_001322013.2, NM_001406909.1); c.2086T>G, p.Phe696Val (NM_001322014.2, NM_001406871.1); and 13 more; short protein forms F439V, F505V, F509V, F561V, F385V, F538V, F584V, F588V.
Identifiers: ClinVar variation 1785646 (VCV001785646.2), dbSNP rs2535541966, ClinGen allele CA366738028.